The following is an entry in ClinVar:

ClinVar aggregate classification (germline): Uncertain significance. Review status: criteria provided, single submitter (1 of 4 stars). 2 submissions from 1 submitter: Uncertain significance (1). 1 of the submissions does not count toward it. Last evaluated 2022-08-10.

Conditions:
Familial infantile myasthenia (CMS6). Also called: Congenital myasthenic syndrome type 6; MYASTHENIC SYNDROME, PRESYNAPTIC, CONGENITAL, ASSOCIATED WITH EPISODIC APNEA; MYASTHENIC SYNDROME, CONGENITAL, 6, PRESYNAPTIC. Identifiers: Orphanet 590, MedGen C0393929, MONDO:0009689, OMIM 254210.

Submissions (2):

Labcorp Genetics (formerly Invitae), Labcorp
Classification: Uncertain significance for Familial infantile myasthenia. Last evaluated: 2022-08-10. Review status: criteria provided, single submitter. Criteria: Invitae Variant Classification Sherloc (09022015). Collection method: clinical testing. Allele origin: germline.
Comment: A copy number gain of the genomic region encompassing the full coding sequence of the CHAT gene has been identified. The boundaries of this event are unknown as they extend beyond the assayed region for this gene and therefore may encompass additional genes. As the precise location of this event is unknown, it may be in tandem or it may be located elsewhere in the genome. Isolated whole-gene copy number gains of CHAT have not been reported in the literature. However, larger copy number events that include this gene have been reported (PMID: 21948486). Experimental studies and prediction algorithms are not available or were not evaluated, and the functional significance of this variant is currently unknown. In summary, the available evidence is currently insufficient to determine the role of this variant in disease. Therefore, it has been classified as a Variant of Uncertain Significance.

Labcorp Genetics (formerly Invitae), Labcorp
Classification: Uncertain significance. Last evaluated: 2022-08-10. Review status: flagged submission. Criteria: Invitae Variant Classification Sherloc (09022015). Collection method: clinical testing. Allele origin: germline. Not counted in ClinVar's aggregate classification.
Comment: A copy number gain of the genomic region encompassing the full coding sequence of the SLC18A3 gene has been identified. The boundaries of this event are unknown as they extend beyond the assayed region for this gene and therefore may encompass additional genes. As the precise location of this event is unknown, it may be in tandem or it may be located elsewhere in the genome. Isolated whole-gene copy number gains of SLC18A3 have not been reported in the literature. However, larger copy number events that include this gene have been reported (PMID: 21948486). Experimental studies and prediction algorithms are not available or were not evaluated, and the functional significance of this variant is currently unknown. In summary, the available evidence is currently insufficient to determine the role of this variant in disease. Therefore, it has been classified as a Variant of Uncertain Significance.
ClinVar note: Reason: This record appears to be redundant with a more recent record from the same submitter.
ClinVar note: Notes: SCV002179599 appears to be redundant with SCV002213401.

Literature cited by the submitters: PubMed 21948486.

NC_000010.10:g.(?_50818787)_(50873092_?)dup

Genes: CHAT (choline O-acetyltransferase; plus strand), SLC18A3 (solute carrier family 18 member A3; plus strand). Cytogenetic location: 10q11.23.
Variant type: Duplication.
Identifiers: ClinVar variation 1410743 (VCV001410743.6).